The following is an entry in ClinVar:

ClinVar aggregate classification (germline): Benign/Likely benign. Review status: criteria provided, multiple submitters, no conflicts (2 of 4 stars). 4 submissions from 4 submitters: Benign (1); Likely benign (3). Last evaluated 2026-01-11.

Allele frequency attached by ClinVar (database versions not stated): gnomAD 0.00019; TOPMed 0.00022; 1000 Genomes Project 30x 0.00062; 1000 Genomes Project 0.00080.
gnomAD v4.1: 167 of 1,609,450 alleles (0.01%); highest among the groups gnomAD compares: East Asian, 0.24%; 1 homozygote.

Submissions (4):

Labcorp Genetics (formerly Invitae), Labcorp
Classification: Benign. Last evaluated: 2026-01-11. Review status: criteria provided, single submitter. Criteria: Invitae Variant Classification Sherloc (09022015). Collection method: clinical testing. Allele origin: germline.

Mayo Clinic Laboratories, Mayo Clinic
Classification: Likely benign. Last evaluated: 2025-04-02. Review status: criteria provided, single submitter. Criteria: ACMG Guidelines, 2015. Collection method: clinical testing. Allele origin: germline. Observed: 3 variant alleles.
Comment: BS1, BP4, BP7

Women's Health and Genetics/Laboratory Corporation of America, LabCorp
Classification: Likely benign. Last evaluated: 2024-12-11. Review status: criteria provided, single submitter. Criteria: LabCorp Variant Classification Summary - May 2015. Collection method: clinical testing. Allele origin: germline.

Blueprint Genetics
Classification: Likely benign. Last evaluated: 2024-10-28. Review status: criteria provided, single submitter. Criteria: ACMG Guidelines, 2015. Collection method: clinical testing. Allele origin: germline.

NM_022437.3(ABCG8):c.1756+16G>A

Gene: ABCG8 (ATP binding cassette subfamily G member 8; plus strand). Cytogenetic location: 2p21.
Variant type: single nucleotide variant.
Coding change: c.1756+16G>A on transcript NM_022437.3 (MANE Select); 16 bases into the intron after coding-DNA position 1756, G replaced by A.
Molecular consequence: intron variant.
Genome position (GRCh38, 1-based): chr2:43,875,429, G>A. VCF-style: chr2-43875429-G-A. GRCh37 (hg19) VCF-style: chr2-44102568-G-A.
Other names: p.?; c.1753+16G>A (NM_001357321.2); c.1756+16G>A (NM_022437.2).
Identifiers: ClinVar variation 2064024 (VCV002064024.8), dbSNP rs182440594, ClinGen allele CA1637626.